The following is an entry in ClinVar:

NM_001005373.4(LRSAM1):c.1659A>T (p.Gln553His)

Gene: LRSAM1 (leucine rich repeat and sterile alpha motif containing 1; plus strand). Cytogenetic location: 9q33.3.
Variant type: single nucleotide variant.
Coding change: c.1659A>T on transcript NM_001005373.4 (MANE Select); coding-DNA position 1659, A replaced by T.
Protein change: p.Gln553His; replaces glutamine 553 with histidine.
Molecular consequence: missense variant. On other transcripts: non-coding transcript variant (2), intron variant (1).
Genome position (GRCh38, 1-based): chr9:127,495,379, A>T. VCF-style: chr9-127495379-A-T. GRCh37 (hg19) VCF-style: chr9-130257658-A-T.
Other names: c.1659A>T, p.Gln553His (NM_001005374.4, NM_001384142.1, NM_138361.5); c.1578A>T, p.Gln526His (NM_001190723.3); c.870A>T, p.Gln290His (NM_001384144.1); c.1600-585A>T (NM_001384143.1); short protein forms Q290H, Q526H, Q553H.
Identifiers: ClinVar variation 1719879 (VCV001719879.5), dbSNP rs368087217, ClinGen allele CA374935323.

ClinVar aggregate classification (germline): Uncertain significance (1 of 4 stars; one submission).

Conditions:
Charcot-Marie-Tooth disease axonal type 2P. Also called: Charcot-Marie-Tooth Neuropathy Type 2G; CHARCOT-MARIE-TOOTH DISEASE, AXONAL, TYPE 2G; CMT 2G; CHARCOT-MARIE-TOOTH NEUROPATHY, TYPE 2P. Identifiers: Orphanet 300319, Orphanet 99941, MedGen C3280797, MONDO:0013753, OMIM 614436.

Submission:

Labcorp Genetics (formerly Invitae), Labcorp
Classification: Uncertain significance for Charcot-Marie-Tooth disease axonal type 2P. Last evaluated: 2022-09-20. Review status: criteria provided, single submitter. Criteria: Invitae Variant Classification Sherloc (09022015). Collection method: clinical testing. Allele origin: germline.
Comment: In summary, the available evidence is currently insufficient to determine the role of this variant in disease. Therefore, it has been classified as a Variant of Uncertain Significance. Advanced modeling of protein sequence and biophysical properties (such as structural, functional, and spatial information, amino acid conservation, physicochemical variation, residue mobility, and thermodynamic stability) performed at Invitae indicates that this missense variant is expected to disrupt LRSAM1 protein function. This variant has not been reported in the literature in individuals affected with LRSAM1-related conditions. This variant is not present in population databases (gnomAD no frequency). This sequence change replaces glutamine, which is neutral and polar, with histidine, which is basic and polar, at codon 553 of the LRSAM1 protein (p.Gln553His).